The following is an entry in ClinVar:

ClinVar aggregate classification (germline): Uncertain significance (1 of 4 stars; one submission).

Conditions:
Bethlem myopathy 2 (BTHLM2). Identifiers: Orphanet 536516, Orphanet 610, MedGen C4225313, MONDO:0034022, OMIM 616471.

gnomAD v4.1: 2 of 1,603,680 alleles (0.00012%); highest among the groups gnomAD compares: African/African-American, 0.0027%; no homozygotes.

Submission:

Department of Paediatrics at Addenbrookes, Cambridge University Hospitals NHS Foundation Trust (UK)
Classification: Uncertain significance for Bethlem myopathy 2. Last evaluated: 2025-05-27. Review status: criteria provided, single submitter. Criteria: Durkie Uk Practice Guidelines For Variant Classification V12 2024 (1). Collection method: clinical testing. Allele origin: unknown.
Comment: PM2_Moderate; BP1_Supporting; BP4_Supporting

NM_004370.6(COL12A1):c.7988A>C (p.Tyr2663Ser)

Gene: COL12A1 (collagen type XII alpha 1 chain; minus strand). Cytogenetic location: 6q13.
Variant type: single nucleotide variant.
Coding change: c.7988A>C on transcript NM_004370.6 (MANE Select); coding-DNA position 7988, A replaced by C.
Protein change: p.Tyr2663Ser; replaces tyrosine 2663 with serine.
Molecular consequence: missense variant.
Genome position (GRCh38, 1-based): chr6:75,109,130, T>G on the plus strand (A>C on the coding strand, the complement: COL12A1 is on the minus strand). VCF-style: chr6-75109130-T-G. GRCh37 (hg19) VCF-style: chr6-75818846-T-G.
Other names: c.4496A>C, p.Tyr1499Ser (NM_001424116.1, NM_080645.3); c.7988A>C, p.Tyr2663Ser (NM_001424113.1); c.7967A>C, p.Tyr2656Ser (NM_001424114.1); c.7715A>C, p.Tyr2572Ser (NM_001424115.1); short protein forms Y1499S, Y2572S, Y2656S, Y2663S.
Identifiers: ClinVar variation 4279526 (VCV004279526.1).